The following is an entry in ClinVar:

NM_001029883.3(PCARE):c.598G>A (p.Ala200Thr)

Gene: PCARE (photoreceptor cilium actin regulator; minus strand). Cytogenetic location: 2p23.2.
Variant type: single nucleotide variant.
Coding change: c.598G>A on transcript NM_001029883.3 (MANE Select); coding-DNA position 598, G replaced by A.
Protein change: p.Ala200Thr; replaces alanine 200 with threonine.
Molecular consequence: missense variant.
Genome position (GRCh38, 1-based): chr2:29,073,664, C>T on the plus strand (G>A on the coding strand, the complement: PCARE is on the minus strand). VCF-style: chr2-29073664-C-T. GRCh37 (hg19) VCF-style: chr2-29296530-C-T.
Other names: short protein forms A200T.
Identifiers: ClinVar variation 2012761 (VCV002012761.1), dbSNP rs1572829733, ClinGen allele CA346481949.

ClinVar aggregate classification (germline): Uncertain significance (1 of 4 stars; one submission).

Submission:

Labcorp Genetics (formerly Invitae), Labcorp
Classification: Uncertain significance. Last evaluated: 2022-07-01. Review status: criteria provided, single submitter. Criteria: Invitae Variant Classification Sherloc (09022015). Collection method: clinical testing. Allele origin: germline.
Comment: This sequence change replaces alanine, which is neutral and non-polar, with threonine, which is neutral and polar, at codon 200 of the PCARE protein (p.Ala200Thr). This variant is not present in population databases (gnomAD no frequency). This variant has not been reported in the literature in individuals affected with PCARE-related conditions. Algorithms developed to predict the effect of missense changes on protein structure and function (SIFT, PolyPhen-2, Align-GVGD) all suggest that this variant is likely to be disruptive. In summary, the available evidence is currently insufficient to determine the role of this variant in disease. Therefore, it has been classified as a Variant of Uncertain Significance.